The following is an entry in ClinVar:

NM_017934.7(PHIP):c.1748A>G (p.His583Arg)

Gene: PHIP (PHIP subunit of CUL4-Ring ligase complex; minus strand). Cytogenetic location: 6q14.1.
Variant type: single nucleotide variant.
Coding change: c.1748A>G on transcript NM_017934.7 (MANE Select); coding-DNA position 1748, A replaced by G.
Protein change: p.His583Arg; replaces histidine 583 with arginine.
Molecular consequence: missense variant.
Genome position (GRCh38, 1-based): chr6:79,002,030, T>C on the plus strand (A>G on the coding strand, the complement: PHIP is on the minus strand). VCF-style: chr6-79002030-T-C. GRCh37 (hg19) VCF-style: chr6-79711747-T-C.
Other names: c.1748A>G (NM_017934.6); short protein forms H583R.
Identifiers: ClinVar variation 4975221 (VCV004975221.2).
Genomic context (GRCh38, chr6:79,002,030, plus strand): 5'-TGATATCTTGATGGATGAGGGTTACCATCAACATCAACCAAAAAAGGGGGAGGCATAAGA[T>C]GAGGTGCTTGCTGAGTCTGTTCATCTAATACAAAATTGTTGGCATCACGAATAAGTGGCC-3'
Protein context (NP_060404.4, residues 573-593): VLDEQTQQAP[His583Arg]LMPPPFLVDV

ClinVar aggregate classification (germline): Uncertain significance. Review status: criteria provided, multiple submitters, no conflicts (2 of 4 stars). 2 submissions from 2 submitters: Uncertain significance (2). Last evaluated 2026-02-04.

Conditions:
PHIP-related disorder. Also called: PHIP-related condition; PHIP-related disorders.

Submissions (2):

GeneDx
Classification: Uncertain significance. Last evaluated: 2026-02-04. Review status: criteria provided, single submitter. Criteria: GeneDx Variant Classification Process June 2021. Collection method: clinical testing. Allele origin: germline.
Comment: Not observed at significant frequency in large population cohorts (gnomAD); In silico analysis supports that this missense variant has a deleterious effect on protein structure/function; Has not been previously published as pathogenic or benign to our knowledge

PreventionGenetics, part of Exact Sciences
Classification: Uncertain significance for PHIP-related condition. Last evaluated: 2024-12-08. Review status: criteria provided, single submitter. Criteria: ACMG Guidelines, 2015. Collection method: clinical testing. Allele origin: germline.
Comment: The PHIP c.1748A>G variant is predicted to result in the amino acid substitution p.His583Arg. To our knowledge, this variant has not been reported in the literature or in a large population database (gnomAD), indicating this variant is rare. At this time, the clinical significance of this variant is uncertain due to the absence of conclusive functional and genetic evidence.